The following is an entry in ClinVar:

ClinVar aggregate classification (germline): Uncertain significance. Review status: criteria provided, multiple submitters, no conflicts (2 of 4 stars). 2 submissions from 2 submitters: Uncertain significance (2). Last evaluated 2025-05-01.

Conditions:
Inborn genetic diseases. Identifiers: MedGen C0950123, MeSH D030342.
Infantile-onset X-linked spinal muscular atrophy. Also called: AMC, DISTAL, X-LINKED; ARTHROGRYPOSIS, X-LINKED, TYPE I; SPINAL MUSCULAR ATROPHY, X-LINKED LETHAL INFANTILE; Spinal Muscular Atrophy, X-Linked Infantile; Spinal muscular atrophy, X-linked 2. Identifiers: Orphanet 1145, MedGen C1844934, MONDO:0010532, OMIM 301830.

Allele frequency attached by ClinVar (database versions not stated): gnomAD exomes 0.00001.
gnomAD v4.1: 7 of 1,204,727 alleles (0.00058%); highest among the groups gnomAD compares: South Asian, 0.013%; no homozygotes.

Submissions (2):

Labcorp Genetics (formerly Invitae), Labcorp
Classification: Uncertain significance for Infantile-onset X-linked spinal muscular atrophy. Last evaluated: 2025-05-01. Review status: criteria provided, single submitter. Criteria: Invitae Variant Classification Sherloc (09022015). Collection method: clinical testing. Allele origin: germline.
Comment: This sequence change replaces leucine, which is neutral and non-polar, with valine, which is neutral and non-polar, at codon 186 of the UBA1 protein (p.Leu186Val). This variant is not present in population databases (gnomAD no frequency). This variant has not been reported in the literature in individuals affected with UBA1-related conditions. ClinVar contains an entry for this variant (Variation ID: 1748350). An algorithm developed to predict the effect of missense changes on protein structure and function (PolyPhen-2) suggests that this variant is likely to be tolerated. In summary, the available evidence is currently insufficient to determine the role of this variant in disease. Therefore, it has been classified as a Variant of Uncertain Significance.

Ambry Genetics
Classification: Uncertain significance for Inborn genetic diseases. Last evaluated: 2022-08-15. Review status: criteria provided, single submitter. Criteria: Ambry Variant Classification Scheme 2023. Collection method: clinical testing. Allele origin: germline.
Comment: The p.L186V variant (also known as c.556C>G), located in coding exon 5 of the UBA1 gene, results from a C to G substitution at nucleotide position 556. The leucine at codon 186 is replaced by valine, an amino acid with highly similar properties. This amino acid position is conserved. In addition, this alteration is predicted to be tolerated by in silico analysis. Since supporting evidence is limited at this time, the clinical significance of this alteration remains unclear.

NM_003334.4(UBA1):c.556C>G (p.Leu186Val)

Gene: UBA1 (ubiquitin like modifier activating enzyme 1; plus strand). Cytogenetic location: Xp11.3.
Variant type: single nucleotide variant.
Coding change: c.556C>G on transcript NM_003334.4 (MANE Select); coding-DNA position 556, C replaced by G.
Protein change: p.Leu186Val; replaces leucine 186 with valine.
Molecular consequence: missense variant.
Genome position (GRCh38, 1-based): chrX:47,200,969, C>G. VCF-style: chrX-47200969-C-G. GRCh37 (hg19) VCF-style: chrX-47060368-C-G.
Other names: c.556C>G, p.Leu186Val (NM_153280.3); short protein forms L186V.
Identifiers: ClinVar variation 1748350 (VCV001748350.3), dbSNP rs2521418782, ClinGen allele CA412792092.